The following is an entry in ClinVar:

ClinVar aggregate classification (germline): Uncertain significance (1 of 4 stars; one submission).

Submission:

Labcorp Genetics (formerly Invitae), Labcorp
Classification: Uncertain significance. Last evaluated: 2025-09-28. Review status: criteria provided, single submitter. Criteria: Invitae Variant Classification Sherloc (09022015). Collection method: clinical testing. Allele origin: germline.
Comment: This sequence change replaces cysteine, which is neutral and slightly polar, with arginine, which is basic and polar, at codon 1644 of the ALPK3 protein (p.Cys1644Arg). This variant is not present in population databases (gnomAD no frequency). This variant has not been reported in the literature in individuals affected with ALPK3-related conditions. ClinVar contains an entry for this variant (Variation ID: 3699779). Invitae Evidence Modeling of protein sequence and biophysical properties (such as structural, functional, and spatial information, amino acid conservation, physicochemical variation, residue mobility, and thermodynamic stability) indicates that this missense variant is expected to disrupt ALPK3 protein function with a positive predictive value of 80%. In summary, the available evidence is currently insufficient to determine the role of this variant in disease. Therefore, it has been classified as a Variant of Uncertain Significance.

NM_020778.5(ALPK3):c.4324T>C (p.Cys1442Arg)

Gene: ALPK3 (alpha kinase 3; plus strand). Cytogenetic location: 15q25.3.
Variant type: single nucleotide variant.
Coding change: c.4324T>C on transcript NM_020778.5 (MANE Select); coding-DNA position 4324, T replaced by C.
Protein change: p.Cys1442Arg; replaces cysteine 1442 with arginine.
Molecular consequence: missense variant.
Genome position (GRCh38, 1-based): chr15:84,862,829, T>C. VCF-style: chr15-84862829-T-C. GRCh37 (hg19) VCF-style: chr15-85406060-T-C.
Other names: short protein forms C1442R.
Identifiers: ClinVar variation 3699779 (VCV003699779.2).
Genomic context (GRCh38, chr15:84,862,829, plus strand): 5'-AAGGCCTCCCAGGCCAAGGTCATCTACGGGCTGGAACCCATCTTCGAGTCGGGCCGCACG[T>C]GCATCATCAAGGTGTCCAGCCTGCTTGTGTTTGGGCCCAGCAGTGAGACTTCTCTTGTGG-3'
Protein context (NP_065829.4, residues 1432-1452): LEPIFESGRT[Cys1442Arg]IIKVSSLLVF